The following is an entry in ClinVar:

ClinVar aggregate classification (germline): Conflicting classifications of pathogenicity. Review status: criteria provided, conflicting classifications (1 of 4 stars). 4 submissions from 4 submitters: Uncertain significance (3); Likely benign (1). Last evaluated 2026-04-03.

Conditions:
Autosomal recessive limb-girdle muscular dystrophy type 2J (LGMDR10). Also called: Limb-girdle muscular dystrophy, type 2J; MUSCULAR DYSTROPHY, LIMB-GIRDLE, AUTOSOMAL RECESSIVE 10. Identifiers: Orphanet 140922, MedGen C1837342, MONDO:0012127, OMIM 608807.
Dilated cardiomyopathy 1G (CMD1G). Identifiers: Orphanet 154, MedGen C1858763, MONDO:0011400, OMIM 604145.

Submissions (4):

Dasa
Classification: Uncertain significance. Last evaluated: 2026-04-03. Review status: criteria provided, single submitter. Criteria: DASA Assertion Criteria. Collection method: clinical testing. Allele origin: germline.
Comment: NM_001267550.2(TTN):c.34119_34139del (p.Val11384_Glu11390del) is an in-frame deletion predicted to remove amino acids from valine at protein position 11384 through glutamic acid at protein position 11390 without shifting the reading frame. This variant is rare in population databases. The currently available literature and clinical evidence are not sufficient to establish a definitive association between this variant and the reported condition. Therefore, this variant is classified as a variant of uncertain significance.

GeneDx
Classification: Likely benign. Last evaluated: 2021-06-23. Review status: criteria provided, single submitter. Criteria: GeneDx Variant Classification Process June 2021. Collection method: clinical testing. Allele origin: germline. Affected: yes.
Comment: This variant is associated with the following publications: (PMID: 27535533)

Revvity Omics, Revvity
Classification: Uncertain significance. Last evaluated: 2019-09-09. Review status: criteria provided, single submitter. Criteria: ACMG Guidelines, 2015. Collection method: clinical testing. Allele origin: germline.

Labcorp Genetics (formerly Invitae), Labcorp
Classification: Uncertain significance for Dilated cardiomyopathy 1G; Autosomal recessive limb-girdle muscular dystrophy type 2J. Last evaluated: 2017-12-15. Review status: criteria provided, single submitter. Criteria: Invitae Variant Classification Sherloc (09022015). Collection method: clinical testing. Allele origin: germline.

NM_001267550.2(TTN):c.34098GGAAGAGGAAGTTCTACCTGA[1] (p.11363VLPEEEE[3])

Gene: TTN (titin; minus strand). Cytogenetic location: 2q31.2.
Variant type: Microsatellite.
Coding change: c.34098GGAAGAGGAAGTTCTACCTGA[1] on transcript NM_001267550.2 (MANE Select); one copy of the 21-base unit GGAAGAGGAAGTTCTACCTGA starting at c.34098; the reference has two copies in a row; one copy, 21 bases deleted; also written c.34119_34139del.
Protein change: p.11363VLPEEEE[3].
Molecular consequence: inframe deletion. On other transcripts: intron variant (3).
Genome position (GRCh38, 1-based): chr2:178,677,773-178,677,793, TCAGGTAGAACTTCCTCTTCC deleted on the plus strand (GGAAGAGGAAGTTCTACCTGA on the coding strand, the reverse complement: TTN is on the minus strand); deleting any 21 consecutive bases within chr2:178,677,773-178,677,834 gives the same sequence; the position shown is the placement nearest the transcript's 3' end. VCF-style (leftmost placement, unchanged base first): chr2-178677772-TTCAGGTAGAACTTCCTCTTCC-T. GRCh37 (hg19) VCF-style: chr2-179542499-TTCAGGTAGAACTTCCTCTTCC-T.
Other names: c.34119_34139del (NM_001267550.2); c.33168_33188delGGAAGAGGAAGTTCTACCTGA (NM_001256850.1); c.33168_33188del21 (NM_001256850.1); c.33168_33188del (NM_001256850.1); c.30387_30407del (NM_133378.4); c.33147GGAAGAGGAAGTTCTACCTGA[1], p.11046VLPEEEE[3] (NM_001256850.1); c.30366GGAAGAGGAAGTTCTACCTGA[1], p.10119VLPEEEE[3] (NM_133378.4); c.13283-35476_13283-35456del (NM_003319.4); and 2 more.
Identifiers: ClinVar variation 419414 (VCV000419414.22), dbSNP rs397517548, ClinGen allele CA1998132.